The following is an entry in ClinVar:

NM_001101362.3(KBTBD13):c.746A>G (p.Tyr249Cys)

Gene: KBTBD13 (kelch repeat and BTB domain containing 13; plus strand). Cytogenetic location: 15q22.31.
Variant type: single nucleotide variant.
Coding change: c.746A>G on transcript NM_001101362.3 (MANE Select); coding-DNA position 746, A replaced by G.
Protein change: p.Tyr249Cys; replaces tyrosine 249 with cysteine.
Molecular consequence: missense variant.
Genome position (GRCh38, 1-based): chr15:65,077,561, A>G. VCF-style: chr15-65077561-A-G. GRCh37 (hg19) VCF-style: chr15-65369899-A-G.
Other names: short protein forms Y249C.
Identifiers: ClinVar variation 2908711 (VCV002908711.3), dbSNP rs2086994460, ClinGen allele CA392862923.

ClinVar aggregate classification (germline): Uncertain significance (1 of 4 stars; one submission).

Conditions:
Nemaline myopathy 6 (NEM6). Also called: Nemaline myopathy 6, autosomal dominant. Identifiers: Orphanet 171439, MedGen C1836472, MONDO:0012237, OMIM 609273.

Allele frequency attached by ClinVar (database versions not stated): gnomAD exomes below 0.00001; gnomAD 0.00001.
gnomAD v4.1: 3 of 1,553,114 alleles (0.00019%); highest among the groups gnomAD compares: African/African-American, 0.0027%; no homozygotes.

Submission:

Labcorp Genetics (formerly Invitae), Labcorp
Classification: Uncertain significance for Nemaline myopathy 6. Last evaluated: 2023-02-25. Review status: criteria provided, single submitter. Criteria: Invitae Variant Classification Sherloc (09022015). Collection method: clinical testing. Allele origin: germline.
Comment: This sequence change replaces tyrosine, which is neutral and polar, with cysteine, which is neutral and slightly polar, at codon 249 of the KBTBD13 protein (p.Tyr249Cys). This variant is not present in population databases (gnomAD no frequency). This variant has not been reported in the literature in individuals affected with KBTBD13-related conditions. Advanced modeling of protein sequence and biophysical properties (such as structural, functional, and spatial information, amino acid conservation, physicochemical variation, residue mobility, and thermodynamic stability) performed at Invitae indicates that this missense variant is not expected to disrupt KBTBD13 protein function. In summary, the available evidence is currently insufficient to determine the role of this variant in disease. Therefore, it has been classified as a Variant of Uncertain Significance.